The following is an entry in ClinVar:

ClinVar aggregate classification (germline): Uncertain significance (1 of 4 stars; one submission).

Conditions:
Arrhythmogenic right ventricular dysplasia 12. Also called: ARRHYTHMOGENIC RIGHT VENTRICULAR DYSPLASIA, FAMILIAL, 12. Identifiers: MedGen C1969081, MONDO:0012684, OMIM 611528.
Naxos disease (NXD). Also called: PALMOPLANTAR KERATODERMA WITH ARRHYTHMOGENIC RIGHT VENTRICULAR CARDIOMYOPATHY AND WOOLLY HAIR; WOOLLY HAIR, PALMOPLANTAR KERATODERMA, AND CARDIAC ABNORMALITIES; CARDIOMYOPATHY, ARRHYTHMOGENIC RIGHT VENTRICULAR, WITH SKIN, HAIR, AND NAIL ABNORMALITIES; KERATOSIS PALMOPLANTARIS WITH ARRHYTHMOGENIC CARDIOMYOPATHY; MAL DE NAXOS. Identifiers: Orphanet 34217, MedGen C1832600, MONDO:0011017, OMIM 601214.

Submission:

Labcorp Genetics (formerly Invitae), Labcorp
Classification: Uncertain significance for Arrhythmogenic right ventricular dysplasia 12; Naxos disease. Last evaluated: 2026-01-19. Review status: criteria provided, single submitter. Criteria: Invitae Variant Classification Sherloc (09022015). Collection method: clinical testing. Allele origin: germline.
Comment: This sequence change replaces methionine, which is neutral and non-polar, with threonine, which is neutral and polar, at codon 164 of the JUP protein (p.Met164Thr). This variant is not present in population databases (gnomAD no frequency). This variant has not been reported in the literature in individuals affected with JUP-related conditions. An algorithm developed to predict the effect of missense changes on protein structure and function (PolyPhen-2) suggests that this variant is likely to be tolerated. In summary, the available evidence is currently insufficient to determine the role of this variant in disease. Therefore, it has been classified as a Variant of Uncertain Significance.

NM_002230.4(JUP):c.491T>C (p.Met164Thr)

Gene: JUP (junction plakoglobin; minus strand). Cytogenetic location: 17q21.2.
Variant type: single nucleotide variant.
Coding change: c.491T>C on transcript NM_002230.4 (MANE Select); coding-DNA position 491, T replaced by C.
Protein change: p.Met164Thr; replaces methionine 164 with threonine.
Molecular consequence: missense variant.
Genome position (GRCh38, 1-based): chr17:41,769,185, A>G on the plus strand (T>C on the coding strand, the complement: JUP is on the minus strand). VCF-style: chr17-41769185-A-G. GRCh37 (hg19) VCF-style: chr17-39925437-A-G.
Other names: c.491T>C, p.Met164Thr (NM_001352773.2, NM_001352774.2, NM_001352775.2 and 3 more transcripts); short protein forms M164T.
Identifiers: ClinVar variation 4792904 (VCV004792904.1).